The following is an entry in ClinVar:

ClinVar aggregate classification (germline): Uncertain significance (1 of 4 stars; one submission).

gnomAD v4.1: 34 of 1,614,016 alleles (0.0021%); highest among the groups gnomAD compares: African/African-American, 0.008%; no homozygotes.

Submission:

Labcorp Genetics (formerly Invitae), Labcorp
Classification: Uncertain significance. Last evaluated: 2024-05-15. Review status: criteria provided, single submitter. Criteria: Invitae Variant Classification Sherloc (09022015). Collection method: clinical testing. Allele origin: germline.
Comment: This sequence change replaces arginine, which is basic and polar, with glutamine, which is neutral and polar, at codon 2117 of the FAT2 protein (p.Arg2117Gln). This variant is present in population databases (rs763727182, gnomAD 0.02%). This variant has not been reported in the literature in individuals affected with FAT2-related conditions. Advanced modeling of protein sequence and biophysical properties (such as structural, functional, and spatial information, amino acid conservation, physicochemical variation, residue mobility, and thermodynamic stability) performed at Invitae indicates that this missense variant is not expected to disrupt FAT2 protein function with a negative predictive value of 80%. In summary, the available evidence is currently insufficient to determine the role of this variant in disease. Therefore, it has been classified as a Variant of Uncertain Significance.

NM_001447.3(FAT2):c.6350G>A (p.Arg2117Gln)

Genes: FAT2 (FAT atypical cadherin 2; minus strand), SLC36A1 (solute carrier family 36 member 1; plus strand). Cytogenetic location: 5q33.1.
Variant type: single nucleotide variant.
Coding change: c.6350G>A on transcript NM_001447.3 (MANE Select); coding-DNA position 6350, G replaced by A.
Protein change: p.Arg2117Gln; replaces arginine 2117 with glutamine.
Molecular consequence: missense variant.
Genome position (GRCh38, 1-based): chr5:151,544,777, C>T on the plus strand (G>A on the coding strand, the complement: FAT2 is on the minus strand). VCF-style: chr5-151544777-C-T. GRCh37 (hg19) VCF-style: chr5-150924338-C-T.
Other names: short protein forms R2117Q.
Identifiers: ClinVar variation 3710110 (VCV003710110.2).
Genomic context (GRCh38, chr5:151,544,777, plus strand): 5'-TTTAAAGCTTGATAATCAAAGGGTTTCTTGAGTGATATGTCCCCAAGATAGGGGTCAATT[C>T]GGAAATATGTGTAATCTTCTGCAAATTCATATGTAACAGCCCCATTTGTCCCCAAGTCCT-3'
Protein context (NP_001438.1, residues 2107-2127): YEFAEDYTYF[Arg2117Gln]IDPYLGDISL